The following is an entry in ClinVar:

NM_017636.4(TRPM4):c.2133-5G>A

Gene: TRPM4 (transient receptor potential cation channel subfamily M member 4; plus strand). Cytogenetic location: 19q13.33.
Variant type: single nucleotide variant.
Coding change: c.2133-5G>A on transcript NM_017636.4 (MANE Select); 5 bases into the intron before coding-DNA position 2133, G replaced by A.
Molecular consequence: intron variant.
Genome position (GRCh38, 1-based): chr19:49,190,691, G>A. VCF-style: chr19-49190691-G-A. GRCh37 (hg19) VCF-style: chr19-49693948-G-A.
Other names: c.2133-5G>A (NM_001195227.2); c.525-5G>A (NM_001321282.2); c.1788-5G>A (NM_001321281.2); c.1611-5G>A (NM_001321283.2); c.1071-5G>A (NM_001321285.2).
Identifiers: ClinVar variation 1644749 (VCV001644749.10), dbSNP rs762827140, ClinGen allele CA9569461.

ClinVar aggregate classification (germline): Conflicting classifications of pathogenicity. Review status: criteria provided, conflicting classifications (1 of 4 stars). 2 submissions from 2 submitters: Uncertain significance (1); Likely benign (1). Last evaluated 2024-01-16.

Conditions:
Progressive familial heart block type IB (PFHB1B). Identifiers: Orphanet 871, MedGen C1970298, MONDO:0011474, OMIM 604559.
Cardiovascular phenotype. Identifiers: MedGen CN230736.

Allele frequency attached by ClinVar (database versions not stated): ExAC 0.00001.
gnomAD v4.1: 2 of 1,614,090 alleles (0.00012%); highest among the groups gnomAD compares: South Asian, 0.0011%; no homozygotes.

Submissions (2):

Ambry Genetics
Classification: Uncertain significance for Cardiovascular phenotype. Last evaluated: 2024-01-16. Review status: criteria provided, single submitter. Criteria: Ambry Variant Classification Scheme 2023. Collection method: clinical testing. Allele origin: germline.
Comment: The c.2133-5G>A intronic variant results from a G to A substitution 5 nucleotides upstream from coding exon 16 in the TRPM4 gene. This nucleotide position is not well conserved in available vertebrate species. In silico splice site analysis predicts that this alteration will not have any significant effect on splicing. Since supporting evidence is limited at this time, the clinical significance of this alteration remains unclear.

Labcorp Genetics (formerly Invitae), Labcorp
Classification: Likely benign for Progressive familial heart block type IB. Last evaluated: 2023-07-20. Review status: criteria provided, single submitter. Criteria: Invitae Variant Classification Sherloc (09022015). Collection method: clinical testing. Allele origin: germline.